The following is an entry in ClinVar:

NM_001029896.2(WDR45):c.313G>A (p.Val105Met)

Gene: WDR45 (WD repeat domain 45; minus strand). Cytogenetic location: Xp11.23.
Variant type: single nucleotide variant.
Coding change: c.313G>A on transcript NM_001029896.2 (MANE Select); coding-DNA position 313, G replaced by A.
Protein change: p.Val105Met; replaces valine 105 with methionine.
Molecular consequence: missense variant.
Genome position (GRCh38, 1-based): chrX:49,076,673, C>T on the plus strand (G>A on the coding strand, the complement: WDR45 is on the minus strand). VCF-style: chrX-49076673-C-T. GRCh37 (hg19) VCF-style: chrX-48934332-C-T.
Other names: c.316G>A, p.Val106Met (NM_007075.4); short protein forms V105M, V106M.
Identifiers: ClinVar variation 2443534 (VCV002443534.1), dbSNP rs2147816550, ClinGen allele CA412946749.

ClinVar aggregate classification (germline): Uncertain significance (1 of 4 stars; one submission).

Submission:

GeneDx
Classification: Uncertain significance. Last evaluated: 2022-09-09. Review status: criteria provided, single submitter. Criteria: GeneDx Variant Classification Process June 2021. Collection method: clinical testing. Allele origin: germline. Affected: yes.
Comment: Not observed at significant frequency in large population cohorts (gnomAD); In silico analysis supports that this missense variant has a deleterious effect on protein structure/function; Has not been previously published as pathogenic or benign to our knowledge